The following is an entry in ClinVar:

ClinVar aggregate classification (germline): Benign/Likely benign. Review status: criteria provided, multiple submitters, no conflicts (2 of 4 stars). 5 submissions from 5 submitters: Benign (3); Likely benign (1). 1 of the submissions does not count toward it. Last evaluated 2025-12-08.

Conditions:
Deficiency of beta-ureidopropionase (UPB1D). Also called: Beta-ureidopropionase deficiency. Identifiers: Orphanet 65287, MedGen C1291512, MONDO:0013164, OMIM 613161.

Allele frequency attached by ClinVar (database versions not stated): gnomAD exomes 0.00092 and 0.00235; ExAC 0.00308; 1000 Genomes Project 0.00919; gnomAD 0.00975 and 0.01060; 1000 Genomes Project 30x 0.00984; ESP Exome Variant Server 0.00992; TOPMed 0.01085.
gnomAD v4.1: 2,914 of 1,613,330 alleles (0.18%); highest among the groups gnomAD compares: African/African-American, 3.4%; 47 homozygotes.

Submissions (5):

Labcorp Genetics (formerly Invitae), Labcorp
Classification: Benign. Last evaluated: 2025-12-08. Review status: criteria provided, single submitter. Criteria: Invitae Variant Classification Sherloc (09022015). Collection method: clinical testing. Allele origin: germline.

Fulgent Genetics
Classification: Likely benign for Deficiency of beta-ureidopropionase. Last evaluated: 2022-04-13. Review status: criteria provided, single submitter. Criteria: ACMG Guidelines, 2015. Collection method: clinical testing. Allele origin: unknown.

Illumina Laboratory Services, Illumina
Classification: Benign for Deficiency of beta-ureidopropionase. Last evaluated: 2018-01-13. Review status: criteria provided, single submitter. Criteria: ICSL Variant Classification Criteria 13 December 2019. Collection method: clinical testing. Allele origin: germline.
Comment: This variant was observed in the ICSL laboratory as part of a predisposition screen in an ostensibly healthy population. It had not been previously curated by ICSL or reported in the Human Gene Mutation Database (HGMD: prior to June 1st, 2018), and was therefore a candidate for classification through an automated scoring system. Utilizing variant allele frequency, disease prevalence and penetrance estimates, and inheritance mode, an automated score was calculated to assess if this variant is too frequent to cause the disease. Based on the score and internal cut-off values, a variant classified as benign is not then subjected to further curation. The score for this variant resulted in a classification of benign for this disease.

Breakthrough Genomics
Classification: Benign. Review status: criteria provided, single submitter. Criteria: ACMG Guidelines, 2015. Collection method: not provided. Allele origin: germline. Inheritance: Autosomal recessive inheritance. Affected: yes.

Diasio Lab,  Mayo Clinic
No classification provided. Review status: no classification provided. Collection method: not provided. Allele origin: unknown. Not counted in ClinVar's aggregate classification.

NM_016327.3(UPB1):c.873+9C>T

Gene: UPB1 (beta-ureidopropionase 1; plus strand). Cytogenetic location: 22q11.23.
Variant type: single nucleotide variant.
Coding change: c.873+9C>T on transcript NM_016327.3 (MANE Select); 9 bases into the intron after coding-DNA position 873, C replaced by T.
Molecular consequence: intron variant.
Genome position (GRCh38, 1-based): chr22:24,520,477, C>T. VCF-style: chr22-24520477-C-T. GRCh37 (hg19) VCF-style: chr22-24916445-C-T.
Identifiers: ClinVar variation 100161 (VCV000100161.15), dbSNP rs111674727, ClinGen allele CA228243.